The following is an entry in ClinVar:

NC_000017.10:g.(?_882539)_(1387567_?)del

Genes: ABR (ABR activator of RhoGEF and GTPase; minus strand), BHLHA9 (basic helix-loop-helix family member a9; plus strand), CRK (CRK proto-oncogene, adaptor protein; minus strand), MYO1C (myosin IC; minus strand), NXN (nucleoredoxin; minus strand) and 3 more. Cytogenetic location: 17p13.3.
Variant type: Deletion.
Identifiers: ClinVar variation 2426763 (VCV002426763.3).

ClinVar aggregate classification (germline): Pathogenic (1 of 4 stars; one submission).

Submission:

Labcorp Genetics (formerly Invitae), Labcorp
Classification: Pathogenic. Last evaluated: 2022-05-23. Review status: criteria provided, single submitter. Criteria: Invitae Variant Classification Sherloc (09022015). Collection method: clinical testing. Allele origin: germline.
Comment: This variant is a gross deletion of the genomic region encompassing exon(s) 1 of the NXN gene, which includes the initiator codon. This deletion extends beyond the assayed region for this gene and therefore may encompass additional genes. It is expected to result in an absent or disrupted protein product. Loss-of-function variants in NXN are known to be pathogenic (PMID: 29276006, 33048444). A similar copy number variant has been observed in individual(s) with Robinow syndrome (PMID: 29276006). For these reasons, this variant has been classified as Pathogenic.

Literature cited by the submitters: PubMed 29276006; PubMed 33048444.